The following is an entry in ClinVar:

ClinVar aggregate classification (germline): Likely pathogenic (1 of 4 stars; one submission).

Conditions:
Charcot-Marie-Tooth disease recessive intermediate C. Also called: CHARCOT-MARIE-TOOTH NEUROPATHY, RECESSIVE INTERMEDIATE C. Identifiers: Orphanet 369867, MedGen C3809309, MONDO:0014154, OMIM 615376.
Neuronopathy, distal hereditary motor, autosomal recessive 4. Also called: Autosomal recessive lower motor neuron disease with childhood onset; NEUROPATHY, DISTAL HEREDITARY MOTOR, AUTOSOMAL RECESSIVE 4. Identifiers: Orphanet 206580, MedGen C1970211, MONDO:0012608, OMIM 611067.

Submission:

Juno Genomics, Hangzhou Juno Genomics, Inc
Classification: Likely pathogenic for Neuronopathy, distal hereditary motor, autosomal recessive 4; Charcot-Marie-Tooth disease recessive intermediate C. Review status: criteria provided, single submitter. Criteria: ACMG Guidelines, 2015. Collection method: clinical testing. Allele origin: germline.
Comment: Null variant in a gene where loss of function (LOF) is a known mechanism of disease.;Absent from controls (or at extremely low frequency if recessive) in Genome Aggregation Database.

NM_020631.6(PLEKHG5):c.1804del (p.Asp602fs)

Gene: PLEKHG5 (pleckstrin homology and RhoGEF domain containing G5; minus strand). Cytogenetic location: 1p36.31.
Variant type: Deletion.
Coding change: c.1804del on transcript NM_020631.6 (MANE Select); coding-DNA position 1804, one base deleted (G; older notation c.1804delG).
Protein change: p.Asp602fs; shifts the reading frame from aspartic acid 602.
Molecular consequence: frameshift variant.
Genome position (GRCh38, 1-based): chr1:6,469,673, C deleted on the plus strand (G on the coding strand, the reverse complement: PLEKHG5 is on the minus strand); the first of 2 consecutive C bases (chr1:6,469,673-6,469,674); deleting either gives the same sequence. VCF-style (leftmost placement, unchanged base first): chr1-6469672-TC-T. GRCh37 (hg19) VCF-style: chr1-6529732-TC-T.
Other names: c.1915del, p.Asp639fs (NM_001042663.3, NM_001265592.2); c.1804del, p.Asp602fs (NM_001042664.2, NM_001042665.2, NM_001265594.3 and 1 more transcripts); c.2011del, p.Asp671fs (NM_001265593.2); short protein forms D602fs, D671fs, D639fs.
Identifiers: ClinVar variation 5007000 (VCV005007000.2).